The following is an entry in ClinVar:

ClinVar aggregate classification (germline): Conflicting classifications of pathogenicity. Review status: criteria provided, conflicting classifications (1 of 4 stars). 3 submissions from 3 submitters: Uncertain significance (2); Likely benign (1). Last evaluated 2023-12-15.

Conditions:
Alstrom syndrome (ALMS). Identifiers: Orphanet 64, MedGen C0268425, MONDO:0008763, OMIM 203800.
Cardiovascular phenotype. Identifiers: MedGen CN230736.

Allele frequency attached by ClinVar (database versions not stated): TOPMed below 0.00001; ExAC 0.00001; gnomAD exomes 0.00002.
gnomAD v4.1: 25 of 1,614,130 alleles (0.0015%); highest among the groups gnomAD compares: Non-Finnish European, 0.0019%; no homozygotes.

Submissions (3):

Ambry Genetics
Classification: Likely benign for Cardiovascular phenotype. Last evaluated: 2023-12-15. Review status: criteria provided, single submitter. Criteria: Ambry Variant Classification Scheme 2023. Collection method: clinical testing. Allele origin: germline.

Labcorp Genetics (formerly Invitae), Labcorp
Classification: Uncertain significance for Alstrom syndrome. Last evaluated: 2022-10-13. Review status: criteria provided, single submitter. Criteria: Invitae Variant Classification Sherloc (09022015). Collection method: clinical testing. Allele origin: germline.
Comment: This sequence change replaces lysine with glutamic acid at codon 2768 of the ALMS1 protein (p.Lys2768Glu). The lysine residue is moderately conserved and there is a small physicochemical difference between lysine and glutamic acid. This variant is present in population databases (rs772638313, gnomAD 0.0009%). This variant has not been reported in the literature in individuals affected with ALMS1-related conditions. Experimental studies and prediction algorithms are not available or were not evaluated, and the functional significance of this variant is currently unknown. In summary, the available evidence is currently insufficient to determine the role of this variant in disease. Therefore, it has been classified as a Variant of Uncertain Significance.

GeneDx
Classification: Uncertain significance. Last evaluated: 2022-06-02. Review status: criteria provided, single submitter. Criteria: GeneDx Variant Classification Process June 2021. Collection method: clinical testing. Allele origin: germline. Affected: yes.
Comment: Not observed at significant frequency in large population cohorts (gnomAD); Has not been previously published as pathogenic or benign to our knowledge

NM_001378454.1(ALMS1):c.8299A>G (p.Lys2767Glu)

Gene: ALMS1 (ALMS1 centrosome and basal body associated protein; plus strand). Cytogenetic location: 2p13.1.
Variant type: single nucleotide variant.
Coding change: c.8299A>G on transcript NM_001378454.1 (MANE Select); coding-DNA position 8299, A replaced by G.
Protein change: p.Lys2767Glu; replaces lysine 2767 with glutamic acid.
Molecular consequence: missense variant.
Genome position (GRCh38, 1-based): chr2:73,490,258, A>G. VCF-style: chr2-73490258-A-G. GRCh37 (hg19) VCF-style: chr2-73717385-A-G.
Other names: c.8302A>G, p.Lys2768Glu (NM_015120.4); short protein forms K2767E, K2768E.
Identifiers: ClinVar variation 1801859 (VCV001801859.4), dbSNP rs772638313, ClinGen allele CA1714441.
Genomic context (GRCh38, chr2:73,490,258, plus strand): 5'-GTGGGGGTATTTAATTCTCATTTCACTGAAGAACAAAATCCTCCCAGAGATCTTAAACAG[A>G]AAACCTCTTCCCCTTCATCATTTAAAATGCATAGTAATTCACAAGATAAAGAAGTGACTA-3'
Protein context (NP_001365383.1, residues 2757-2777): EQNPPRDLKQ[Lys2767Glu]TSSPSSFKMH